The following is an entry in ClinVar:

NM_004999.4(MYO6):c.2593C>A (p.Pro865Thr)

Gene: MYO6 (myosin VI; plus strand). Cytogenetic location: 6q14.1.
Variant type: single nucleotide variant.
Coding change: c.2593C>A on transcript NM_004999.4 (MANE Select); coding-DNA position 2593, C replaced by A.
Protein change: p.Pro865Thr; replaces proline 865 with threonine.
Molecular consequence: missense variant. On other transcripts: non-coding transcript variant (1).
Genome position (GRCh38, 1-based): chr6:75,886,929, C>A. VCF-style: chr6-75886929-C-A. GRCh37 (hg19) VCF-style: chr6-76596646-C-A.
Other names: c.2593C>A, p.Pro865Thr (NM_001300899.2, NM_001368136.1, NM_001368137.1 and 2 more transcripts); c.2578C>A, p.Pro860Thr (NM_001368138.1); short protein forms P860T, P865T.
Identifiers: ClinVar variation 5041894 (VCV005041894.1).

ClinVar aggregate classification (germline): Likely benign (1 of 4 stars; one submission).

gnomAD v4.1: 3 of 1,613,568 alleles (0.00019%); highest among the groups gnomAD compares: Middle Eastern, 0.017%; no homozygotes.

Submission:

CeGaT Center for Human Genetics Tuebingen
Classification: Likely benign. Last evaluated: 2026-08-01. Review status: criteria provided, single submitter. Criteria: CeGaT Center For Human Genetics Tuebingen Variant Classification Criteria Version 2. Collection method: clinical testing. Allele origin: germline. Affected: yes. Observed: 2 variant alleles.
Comment: MYO6: BP4